The following is an entry in ClinVar:

ClinVar aggregate classification (germline): Pathogenic/Likely pathogenic. Review status: criteria provided, multiple submitters, no conflicts (2 of 4 stars). 4 submissions from 4 submitters: Pathogenic (2); Likely pathogenic (2). Last evaluated 2025-12-20.

Conditions:
Inborn genetic diseases. Identifiers: MedGen C0950123, MeSH D030342.
Xeroderma pigmentosum group B. Also called: XPB/CS; XERODERMA PIGMENTOSUM B/COCKAYNE SYNDROME; ERCC3-Related Xeroderma Pigmentosum; XP, GROUP B. Identifiers: MedGen C0268136, MONDO:0012531, OMIM 610651.
Trichothiodystrophy 2, photosensitive (TTD2). Identifiers: Orphanet 33364, MedGen C4225344, MONDO:0014615, OMIM 616390.

Allele frequency attached by ClinVar (database versions not stated): gnomAD exomes 0.00001 and 0.00002; TOPMed below 0.00001; ExAC 0.00001; gnomAD 0.00001.
gnomAD v4.1: 10 of 1,614,052 alleles (0.00062%); highest among the groups gnomAD compares: Admixed American, 0.0083%; no homozygotes.

Submissions (4):

Labcorp Genetics (formerly Invitae), Labcorp
Classification: Pathogenic. Last evaluated: 2025-12-20. Review status: criteria provided, single submitter. Criteria: Invitae Variant Classification Sherloc (09022015). Collection method: clinical testing. Allele origin: germline.
Comment: This sequence change creates a premature translational stop signal (p.Gln711*) in the ERCC3 gene. It is expected to result in an absent or disrupted protein product. Loss-of-function variants in ERCC3 are known to be pathogenic (PMID: 16947863). This variant is present in population databases (rs763315862, gnomAD 0.01%). This variant has not been reported in the literature in individuals affected with ERCC3-related conditions. ClinVar contains an entry for this variant (Variation ID: 1458593). For these reasons, this variant has been classified as Pathogenic.

Fulgent Genetics
Classification: Likely pathogenic for Xeroderma pigmentosum group B; Trichothiodystrophy 2, photosensitive. Last evaluated: 2024-04-24. Review status: criteria provided, single submitter. Criteria: ACMG Guidelines, 2015. Collection method: clinical testing. Allele origin: germline.

Laboratorio de Genetica e Diagnostico Molecular, Hospital Israelita Albert Einstein
Classification: Likely pathogenic for Xeroderma pigmentosum group B. Last evaluated: 2022-09-02. Review status: criteria provided, single submitter. Criteria: ACMG Guidelines, 2015. Collection method: clinical testing. Allele origin: germline. Affected: yes. Observed: 1 variant allele.
Comment: ACMG classification criteria: PVS1 very strong, PM2 moderated

Ambry Genetics
Classification: Pathogenic for Inborn genetic diseases. Last evaluated: 2021-11-11. Review status: criteria provided, single submitter. Criteria: Ambry Variant Classification Scheme 2023. Collection method: clinical testing. Allele origin: germline.
Comment: The c.2131C>T (p.Q711*) alteration, located in exon 14 (coding exon 14) of the ERCC3 gene, consists of a C to T substitution at nucleotide position 2131. This changes the amino acid from a glutamine (Q) to a stop codon at amino acid position 711. This alteration is expected to result in loss of function by premature protein truncation or nonsense-mediated mRNA decay. Based on the available evidence, this alteration is classified as pathogenic.

Literature cited by the submitters: PubMed 16947863 (cited by Labcorp Genetics (formerly Invitae), Labcorp).

NM_000122.2(ERCC3):c.2131C>T (p.Gln711Ter)

Gene: ERCC3 (ERCC excision repair 3, TFIIH core complex helicase subunit; minus strand). Cytogenetic location: 2q14.3.
Variant type: single nucleotide variant.
Coding change: c.2131C>T on transcript NM_000122.2 (MANE Select); coding-DNA position 2131, C replaced by T.
Protein change: p.Gln711Ter; replaces glutamine 711 with a stop codon.
Molecular consequence: nonsense.
Genome position (GRCh38, 1-based): chr2:127,259,382, G>A on the plus strand (C>T on the coding strand, the complement: ERCC3 is on the minus strand). VCF-style: chr2-127259382-G-A. GRCh37 (hg19) VCF-style: chr2-128016958-G-A.
Other names: c.1939C>T, p.Gln647Ter (NM_001303416.2, NM_001303418.2); c.2131C>T (NM_000122.1); short protein forms Q647*, Q711*.
Identifiers: ClinVar variation 1458593 (VCV001458593.8), dbSNP rs763315862, ClinGen allele CA1858073.